The following is an entry in ClinVar:

NM_000482.4(APOA4):c.823C>T (p.Arg275Cys)

Gene: APOA4 (apolipoprotein A4; minus strand). Cytogenetic location: 11q23.3.
Variant type: single nucleotide variant.
Coding change: c.823C>T on transcript NM_000482.4 (MANE Select); coding-DNA position 823, C replaced by T.
Protein change: p.Arg275Cys; replaces arginine 275 with cysteine.
Molecular consequence: missense variant.
Genome position (GRCh38, 1-based): chr11:116,821,235, G>A on the plus strand (C>T on the coding strand, the complement: APOA4 is on the minus strand). VCF-style: chr11-116821235-G-A. GRCh37 (hg19) VCF-style: chr11-116691951-G-A.
Other names: short protein forms R275C.
Identifiers: ClinVar variation 2591538 (VCV002591538.5), dbSNP rs751283052, ClinGen allele CA6289300.

ClinVar aggregate classification (germline): Uncertain significance. Review status: criteria provided, multiple submitters, no conflicts (2 of 4 stars). 2 submissions from 2 submitters: Uncertain significance (2). Last evaluated 2023-09-06.

Allele frequency attached by ClinVar (database versions not stated): gnomAD 0.00003; TOPMed 0.00003; gnomAD exomes 0.00005; ExAC 0.00007.
gnomAD v4.1: 76 of 1,612,838 alleles (0.0047%); highest among the groups gnomAD compares: South Asian, 0.0088%; no homozygotes.

Submissions (2):

Labcorp Genetics (formerly Invitae), Labcorp
Classification: Uncertain significance. Last evaluated: 2023-09-06. Review status: criteria provided, single submitter. Criteria: Invitae Variant Classification Sherloc (09022015). Collection method: clinical testing. Allele origin: germline.
Comment: In summary, the available evidence is currently insufficient to determine the role of this variant in disease. Therefore, it has been classified as a Variant of Uncertain Significance. An algorithm developed to predict the effect of missense changes on protein structure and function (PolyPhen-2) suggests that this variant is likely to be disruptive. This missense change has been observed in individual(s) with clinical features of APOA4-related conditions (PMID: 32041611). This variant is present in population databases (rs751283052, gnomAD 0.01%). This sequence change replaces arginine, which is basic and polar, with cysteine, which is neutral and slightly polar, at codon 275 of the APOA4 protein (p.Arg275Cys).

Ambry Genetics
Classification: Uncertain significance. Last evaluated: 2023-08-17. Review status: criteria provided, single submitter. Criteria: Ambry Variant Classification Scheme 2023. Collection method: clinical testing. Allele origin: germline.
Comment: Does not currently meet published gene-disease clinical validity criteria Based on insufficient or conflicting evidence, the clinical significance of this alteration remains unclear.

Literature cited by the submitters: PubMed 32041611 (cited by Labcorp Genetics (formerly Invitae), Labcorp); PubMed 28106320 (cited by Ambry Genetics).